The following is an entry in ClinVar:

ClinVar aggregate classification (germline): Conflicting classifications of pathogenicity; risk factor. Review status: criteria provided, conflicting classifications (1 of 4 stars). 12 submissions from 12 submitters: Uncertain significance (1); Benign (4); Likely benign (1). 5 of the submissions do not count toward it. Last evaluated 2026-01-28.

Conditions:
Melanoma. Identifiers: MedGen C0025202, MeSH D008545, MONDO:0005105, HP:0002861.
MC1R-related disorder. Also called: MC1R-related condition.
Skin and Hair Hypopigmentation.
Skin/hair/eye pigmentation 2, red hair/fair skin. Identifiers: MedGen C4016260.
Melanoma, cutaneous malignant, susceptibility to, 5. Also called: Cutaneous malignant melanoma 5. Identifiers: Orphanet 618, MedGen C2751295, MONDO:0013133, OMIM 613099.
Tyrosinase-positive oculocutaneous albinism (OCA2). Also called: Albinism, oculocutaneous, type II; ALBINISM II; Oculocutaneous albinism type 2. Identifiers: Orphanet 79432, MedGen C0268495, MONDO:0008746, OMIM 203200.

Allele frequency attached by ClinVar (database versions not stated): 1000 Genomes Project 30x 0.00328; gnomAD 0.01082 and 0.01121; 1000 Genomes Project 0.00339; TOPMed 0.01181.

Submissions (12):

Labcorp Genetics (formerly Invitae), Labcorp
Classification: Benign for Melanoma, cutaneous malignant, susceptibility to, 5. Last evaluated: 2026-01-28. Review status: criteria provided, single submitter. Criteria: Invitae Variant Classification Sherloc (09022015). Collection method: clinical testing. Allele origin: germline.

ARUP Laboratories, Molecular Genetics and Genomics, ARUP Laboratories
Classification: Benign. Last evaluated: 2025-05-01. Review status: criteria provided, single submitter. Criteria: ARUP Molecular Germline Variant Investigation Process 2024. Collection method: clinical testing. Allele origin: germline.

Mayo Clinic Laboratories, Mayo Clinic
Classification: Uncertain significance. Last evaluated: 2022-03-11. Review status: criteria provided, single submitter. Criteria: ACMG Guidelines, 2015. Collection method: clinical testing. Allele origin: germline. Observed: 11 variant alleles.

Laboratory for Molecular Medicine, Mass General Brigham Personalized Medicine
Classification: risk factor for Melanoma. Last evaluated: 2019-12-04. Review status: criteria provided, single submitter. Criteria: LMM Criteria. Collection method: clinical testing. Allele origin: germline. Observed: 1 variant allele.
Comment: MC1R c.880G>C (p.Asp294His) has been associated with increased risk for melanoma. This variant has been observed in multiple ethnic backgrounds with highest frequencies in individuals of European ancestry (1.64%, Genome Aggregation Database (gnomAD); rs1805009) and is present in ClinVar (ID: 14307). A large meta-analysis has reported an odds ratio of 1.89 [95% CI 4.8-10] for developing melanoma (Williams 2011). In vitro functional studies provide some evidence that the p.Asp294His variant may impact protein function (Beaumont 2007). In summary, this variant is not expected to cause highly penetrant Mendelian disease. p.Asp294His variant is an established risk factor for melanoma.

Illumina Laboratory Services, Illumina
Classification: Benign for Melanoma, cutaneous malignant, susceptibility to, 5. Last evaluated: 2018-03-06. Review status: criteria provided, single submitter. Criteria: ICSL Variant Classification Criteria 13 December 2019. Collection method: clinical testing. Allele origin: germline.
Comment: This variant was observed in the ICSL laboratory as part of a predisposition screen in an ostensibly healthy population. It had not been previously curated by ICSL or reported in the Human Gene Mutation Database (HGMD: prior to June 1st, 2018), and was therefore a candidate for classification through an automated scoring system. Utilizing variant allele frequency, disease prevalence and penetrance estimates, and inheritance mode, an automated score was calculated to assess if this variant is too frequent to cause the disease. Based on the score and internal cut-off values, a variant classified as benign is not then subjected to further curation. The score for this variant resulted in a classification of benign for this disease.

GeneDx
Classification: Benign. Last evaluated: 2018-01-04. Review status: criteria provided, single submitter. Criteria: GeneDx Variant Classification Process June 2021. Collection method: clinical testing. Allele origin: germline. Affected: yes.
Comment: Considered a low risk allele, case control studies suggest this variant is associated with early onset cutaneous melanoma (Cust et al., 2012); Reported in association with red hair, fair skin, increased risk for melanoma, increased risk of photoaging and congenital melanocytic nevi (Puig-Butille et al., 2013; Kinsler et al., 2012; Ibarrola-Villava et al., 2014); Functional characterization of the variant show decreased ability to stimulate cAMP production, and altered cell surface expression (Schioth et al., 1999; Sanchez-Laorden et al., 2009); Observed in 920/66568 (1.4%) alleles from individuals of European background, including 6 unrelated homozygous individuals in large population cohorts (Lek et al., 2016); This variant is associated with the following publications: (PMID: 22464597, 12789280, 26103569, 26197705, 10403794, 24665948, 19799798, 24660985, 11875032, 17616515, 18366057, 19452503, 22572819, 24335900, 19656326, 7581459, 23647022, 22095472, 9302268, 11179997, 30531825, 31382929, 30414346, 14709592, 11500805)

Breakthrough Genomics
Classification: Likely benign. Review status: criteria provided, single submitter. Criteria: ACMG Guidelines, 2015. Collection method: not provided. Allele origin: germline. Inheritance: Autosomal recessive inheritance. Affected: yes.

PreventionGenetics, part of Exact Sciences
Classification: Likely benign for MC1R-related condition. Last evaluated: 2021-04-08. Review status: no assertion criteria provided. Collection method: clinical testing. Allele origin: germline. Not counted in ClinVar's aggregate classification.
Comment: This variant is classified as likely benign based on ACMG/AMP sequence variant interpretation guidelines (Richards et al. 2015 PMID: 25741868, with internal and published modifications).

University of Washington Center for Mendelian Genomics, University of Washington
Classification: Likely pathogenic for Skin and Hair Hypopigmentation. Last evaluated: 2015-09-22. Review status: no assertion criteria provided. Collection method: research. Allele origin: unknown. Affected: yes. Not counted in ClinVar's aggregate classification.

Yale Center for Mendelian Genomics, Yale University
Classification: Likely pathogenic for Tyrosinase-positive oculocutaneous albinism. Last evaluated: 2015-09-22. Review status: no assertion criteria provided. Collection method: literature only. Allele origin: germline. Affected: yes. Observed: 2 homozygotes. Not counted in ClinVar's aggregate classification.

OMIM
Classification: association for SKIN/HAIR/EYE PIGMENTATION 2, RED HAIR/FAIR SKIN. Last evaluated: 1995-11-01. Review status: no assertion criteria provided. Collection method: literature only. Allele origin: germline. Not counted in ClinVar's aggregate classification.

Department of Pathology and Laboratory Medicine, Sinai Health System
Classification: Likely benign. Review status: no assertion criteria provided. Collection method: clinical testing. Allele origin: unknown. Affected: yes. Study: The Canadian Open Genetics Repository (COGR). Not counted in ClinVar's aggregate classification.
Comment: The MC1R p.Asp294His variant has been reported in the literature multiple times in association with melanoma development, red hair and fair skin (Raimondi_2008_PMID:18366057; Zorina-Lichtenwalter_2019_PMID:30657907). The variant was identified in dbSNP (ID: rs1805009), LOVD 3.0 and ClinVar (classified as benign by Invitae, as likely benign by Prevention Genetics and Illumina, as likely pathogenic by Yale Center for Mendelian Genomics and University of Washington Center for Mendelian Genomics, and as pathogenic by GeneDx). The variant was identified in control databases in 2568 of 280442 chromosomes (23 homozygous) at a frequency of 0.009157 increasing the likelihood this could be a low frequency benign variant (Genome Aggregation Database March 6, 2019, v2.1.1). The variant was observed in the following populations: European (non-Finnish) in 2082 of 128324 chromosomes (freq: 0.01622), Other in 78 of 7136 chromosomes (freq: 0.01093), Latino in 256 of 35366 chromosomes (freq: 0.007239), African in 82 of 24150 chromosomes (freq: 0.003395), European (Finnish) in 53 of 24992 chromosomes (freq: 0.002121) and Ashkenazi Jewish in 17 of 10346 chromosomes (freq: 0.001643), but was not observed in the East Asian or South Asian populations. The p.D294H variant was found to have a dominant negative effect on MC1R cAMP signialling but had normal cell surface expression (Beaumont_2007_PMID:17616515). The p.Asp294 residue is conserved across mammals and other organisms, and four out of five computational analyses (PolyPhen-2, SIFT, AlignGVGD, BLOSUM, MutationTaster) suggest that the variant may impact the protein; however, this information is not predictive enough to assume pathogenicity. The variant occurs outside of the splicing consensus sequence and in silico or computational prediction software programs (SpliceSiteFinder, MaxEntScan, NNSPLICE, GeneSplicer) do not predict a difference in splicing. In summary, based on the above information the clinical significance of this variant cannot be determined with certainty at this time although we would lean towards a more benign role for this variant. This variant is classified as likely benign.

Literature cited by the submitters: PubMed 26103569 (cited by Laboratory for Molecular Medicine, Mass General Brigham Personalized Medicine); PubMed 23647022 (cited by Laboratory for Molecular Medicine, Mass General Brigham Personalized Medicine); PubMed 17616515 (cited by Laboratory for Molecular Medicine, Mass General Brigham Personalized Medicine); PubMed 21128237 (cited by Laboratory for Molecular Medicine, Mass General Brigham Personalized Medicine); PubMed 18366057 (cited by Laboratory for Molecular Medicine, Mass General Brigham Personalized Medicine); PubMed 26197705 (cited by University of Washington Center for Mendelian Genomics, University of Washington and Yale Center for Mendelian Genomics, Yale University); PubMed 7581459 (cited by OMIM).

NM_002386.4(MC1R):c.880G>C (p.Asp294His)

Gene: MC1R (melanocortin 1 receptor; plus strand). Cytogenetic location: 16q24.3.
Variant type: single nucleotide variant.
Coding change: c.880G>C on transcript NM_002386.4 (MANE Select); coding-DNA position 880, G replaced by C.
Protein change: p.Asp294His; replaces aspartic acid 294 with histidine.
Molecular consequence: missense variant.
Genome position (GRCh38, 1-based): chr16:89,920,138, G>C. VCF-style: chr16-89920138-G-C. GRCh37 (hg19) VCF-style: chr16-89986546-G-C.
Other names: short protein forms D294H.
Identifiers: ClinVar variation 14307 (VCV000014307.31), dbSNP rs1805009, ClinGen allele CA123861.